The following is an entry in ClinVar:

NM_000211.5(ITGB2):c.393T>A (p.Tyr131Ter)

Gene: ITGB2 (integrin subunit beta 2; minus strand). Cytogenetic location: 21q22.3.
Variant type: single nucleotide variant.
Coding change: c.393T>A on transcript NM_000211.5 (MANE Select); coding-DNA position 393, T replaced by A.
Protein change: p.Tyr131Ter; replaces tyrosine 131 with a stop codon.
Molecular consequence: nonsense.
Genome position (GRCh38, 1-based): chr21:44,903,471, A>T on the plus strand (T>A on the coding strand, the complement: ITGB2 is on the minus strand). VCF-style: chr21-44903471-A-T. GRCh37 (hg19) VCF-style: chr21-46323386-A-T.
Other names: c.393T>A, p.Tyr131Ter (NM_001127491.3); c.186T>A, p.Tyr62Ter (NM_001303238.2); short protein forms Y62*, Y131*.
Identifiers: ClinVar variation 2585219 (VCV002585219.1), dbSNP rs2146531776, ClinGen allele CA410478552.

ClinVar aggregate classification (germline): Likely pathogenic (1 of 4 stars; one submission).

Conditions:
Leukocyte adhesion deficiency 3. Also called: INTEGRIN ACTIVATION DEFICIENCY DISEASE; LEUKOCYTE ADHESION DEFICIENCY 1 VARIANT; Leukocyte adhesion deficiency, type III. Identifiers: Orphanet 2968, Orphanet 99844, MedGen C2748536, MONDO:0013016, OMIM 612840.

Submission:

Neuberg Centre For Genomic Medicine, NCGM
Classification: Likely pathogenic for Leukocyte adhesion deficiency 3. Review status: criteria provided, single submitter. Criteria: ACMG Guidelines, 2015. Collection method: clinical testing. Allele origin: germline. Inheritance: Autosomal recessive inheritance. Affected: yes.
Comment: The stop gained variant c.393T>A (p.Tyr131Ter) in ITGB2 gene has not been reported previously as a pathogenic variant nor as a benign variant, to our knowledge. The variant p.Tyr131Ter is novel (not in any individuals) in gnomAD Exomes and is novel (not in any individuals) in 1000 Genomes. The nucleotide change in ITGB2 is predicted as conserved by GERP++ and PhyloP across 100 vertebrates. This variant is predicted to cause loss of normal protein function through protein truncation. Loss of function variants have been previously reported to be disease causing. For these reasons, this variant has been classified as Likely Pathogenic.